The following is an entry in ClinVar:

NM_000368.5(TSC1):c.738-1G>A

Gene: TSC1 (TSC complex subunit 1; minus strand). Cytogenetic location: 9q34.13.
Variant type: single nucleotide variant.
Coding change: c.738-1G>A on transcript NM_000368.5 (MANE Select); the canonical splice acceptor site of the intron before coding-DNA position 738, G replaced by A.
Molecular consequence: splice acceptor variant.
Genome position (GRCh38, 1-based): chr9:132,912,458, C>T on the plus strand (G>A on the coding strand, the complement: TSC1 is on the minus strand). VCF-style: chr9-132912458-C-T. GRCh37 (hg19) VCF-style: chr9-135787845-C-T.
Other names: c.738-1G>A (NM_001406606.1, NM_001406592.1, NM_001406600.1 and 16 more transcripts); c.375-1G>A (NM_001406619.1, NM_001406622.1, NM_001362177.2 and 10 more transcripts); c.585-1G>A (NM_001406611.1, NM_001162427.2, NM_001406613.1 and 2 more transcripts); c.-214-1G>A (NM_001406628.1, NM_001406626.1, NM_001406627.1); c.-356-1G>A (NM_001406630.1, NM_001406629.1).
Identifiers: ClinVar variation 579196 (VCV000579196.12), dbSNP rs1564490210, ClinGen allele CA375369754.

ClinVar aggregate classification (germline): Pathogenic (1 of 4 stars; one submission).

Conditions:
Tuberous sclerosis 1 (TSC1). Identifiers: Orphanet 805, MedGen C1854465, MONDO:0008612, OMIM 191100.

Submission:

Labcorp Genetics (formerly Invitae), Labcorp
Classification: Pathogenic for Tuberous sclerosis 1. Last evaluated: 2019-07-08. Review status: criteria provided, single submitter. Criteria: Invitae Variant Classification Sherloc (09022015). Collection method: clinical testing. Allele origin: germline.
Comment: This variant is not present in population databases (ExAC no frequency). This sequence change affects an acceptor splice site in intron 8 of the TSC1 gene. It is expected to disrupt RNA splicing and likely results in an absent or disrupted protein product. Disruption of this splice site has been observed in an individual affected with tuberous sclerosis complex (PMID: 19419980, 29432982). ClinVar contains an entry for this variant (Variation ID: 579196). Algorithms developed to predict the effect of sequence changes on RNA splicing suggest that this variant may disrupt the consensus splice site, but this prediction has not been confirmed by published transcriptional studies. Donor and acceptor splice site variants typically lead to a loss of protein function (PMID: 16199547), and loss-of-function variants in TSC1 are known to be pathogenic (PMID: 10227394, 17304050). For these reasons, this variant has been classified as Pathogenic.

Literature cited by the submitters: PubMed 19419980; PubMed 29432982; PubMed 16199547; PubMed 10227394; PubMed 17304050.